The following is an entry in ClinVar:

ClinVar aggregate classification (germline): Uncertain significance. Review status: criteria provided, multiple submitters, no conflicts (2 of 4 stars). 2 submissions from 2 submitters: Uncertain significance (2). Last evaluated 2023-12-21.

Conditions:
Inborn genetic diseases. Identifiers: MedGen C0950123, MeSH D030342.
Glycogen storage disease IXb (GSD9B). Also called: GLYCOGENOSIS OF LIVER AND MUSCLE, AUTOSOMAL RECESSIVE; GSD IXb; PHOSPHORYLASE KINASE DEFICIENCY OF LIVER AND MUSCLE, AUTOSOMAL RECESSIVE. Identifiers: Orphanet 79240, MedGen C0543514, MONDO:0009868, OMIM 261750.

Allele frequency attached by ClinVar (database versions not stated): TOPMed below 0.00001; gnomAD 0.00001; gnomAD exomes 0.00001.
gnomAD v4.1: 12 of 1,612,552 alleles (0.00074%); highest among the groups gnomAD compares: African/African-American, 0.0013%; no homozygotes.

Submissions (2):

Ambry Genetics
Classification: Uncertain significance for Inborn genetic diseases. Last evaluated: 2023-12-21. Review status: criteria provided, single submitter. Criteria: Ambry Variant Classification Scheme 2023. Collection method: clinical testing. Allele origin: germline.

Labcorp Genetics (formerly Invitae), Labcorp
Classification: Uncertain significance for Glycogen storage disease IXb. Last evaluated: 2022-08-28. Review status: criteria provided, single submitter. Criteria: Invitae Variant Classification Sherloc (09022015). Collection method: clinical testing. Allele origin: germline.
Comment: This sequence change replaces arginine, which is basic and polar, with histidine, which is basic and polar, at codon 214 of the PHKB protein (p.Arg214His). This variant is not present in population databases (gnomAD no frequency). This variant has not been reported in the literature in individuals affected with PHKB-related conditions. Algorithms developed to predict the effect of missense changes on protein structure and function are either unavailable or do not agree on the potential impact of this missense change (SIFT: "Deleterious"; PolyPhen-2: "Benign"; Align-GVGD: "Class C0"). In summary, the available evidence is currently insufficient to determine the role of this variant in disease. Therefore, it has been classified as a Variant of Uncertain Significance.

NM_000293.3(PHKB):c.641G>A (p.Arg214His)

Gene: PHKB (phosphorylase kinase regulatory subunit beta; plus strand). Cytogenetic location: 16q12.1.
Variant type: single nucleotide variant.
Coding change: c.641G>A on transcript NM_000293.3 (MANE Select); coding-DNA position 641, G replaced by A.
Protein change: p.Arg214His; replaces arginine 214 with histidine.
Molecular consequence: missense variant.
Genome position (GRCh38, 1-based): chr16:47,547,479, G>A. VCF-style: chr16-47547479-G-A. GRCh37 (hg19) VCF-style: chr16-47581390-G-A.
Other names: c.620G>A, p.Arg207His (NM_001031835.3); c.641G>A, p.Arg214His (NM_001363837.1); c.641G>A (NM_000293.2); short protein forms R214H, R207H.
Identifiers: ClinVar variation 1945067 (VCV001945067.3), dbSNP rs1971193030, ClinGen allele CA395787370.